The following is an entry in ClinVar:

NM_002693.3(POLG):c.2071-24A>G

Gene: POLG (DNA polymerase gamma, catalytic subunit; minus strand). Cytogenetic location: 15q26.1.
Variant type: single nucleotide variant.
Coding change: c.2071-24A>G on transcript NM_002693.3 (MANE Select); 24 bases into the intron before coding-DNA position 2071, A replaced by G.
Molecular consequence: intron variant.
Genome position (GRCh38, 1-based): chr15:89,323,925, T>C on the plus strand (A>G on the coding strand, the complement: POLG is on the minus strand). VCF-style: chr15-89323925-T-C. GRCh37 (hg19) VCF-style: chr15-89867156-T-C.
Other names: c.2071-24A>G (NM_001126131.2).
Identifiers: ClinVar variation 3029127 (VCV003029127.2), dbSNP rs2509232618, ClinGen allele CA2740096772.
Genomic context (GRCh38, chr15:89,323,925, plus strand): 5'-CCTCAGCCTCCACTTCTAAGTAATCCAGTTCTTCTACCTGGAGCAGTCCAAGGACCAAAG[T>C]AGTGAAGCAGGGGACTGGGTAGGCCCCAATCCACCAGCCCCTCCCTGCATGGTACTCAGA-3'

ClinVar aggregate classification (germline): Likely benign (0 of 4 stars; one submission).

Conditions:
POLG-related disorder. Also called: POLG-Related Spectrum Disorders; POLG-related condition; POLG-Related Disorders. Identifiers: MedGen C4763519.

Submission:

PreventionGenetics, part of Exact Sciences
Classification: Likely benign for POLG-related condition. Last evaluated: 2021-05-17. Review status: no assertion criteria provided. Collection method: clinical testing. Allele origin: germline.
Comment: This variant is classified as likely benign based on ACMG/AMP sequence variant interpretation guidelines (Richards et al. 2015 PMID: 25741868, with internal and published modifications).